The following is an entry in ClinVar:

ClinVar aggregate classification (germline): Uncertain significance. Review status: criteria provided, multiple submitters, no conflicts (2 of 4 stars). 2 submissions from 2 submitters: Uncertain significance (2). Last evaluated 2025-08-22.

Conditions:
Inborn genetic diseases. Identifiers: MedGen C0950123, MeSH D030342.

gnomAD v4.1: 8 of 1,583,208 alleles (0.00051%); highest among the groups gnomAD compares: East Asian, 0.0023%; no homozygotes.

Submissions (2):

Ambry Genetics
Classification: Uncertain significance for Inborn genetic diseases. Last evaluated: 2025-08-22. Review status: criteria provided, single submitter. Criteria: Ambry Variant Classification Scheme 2023. Collection method: clinical testing. Allele origin: germline.

Labcorp Genetics (formerly Invitae), Labcorp
Classification: Uncertain significance. Last evaluated: 2024-03-02. Review status: criteria provided, single submitter. Criteria: Invitae Variant Classification Sherloc (09022015). Collection method: clinical testing. Allele origin: germline.
Comment: This sequence change replaces arginine, which is basic and polar, with tryptophan, which is neutral and slightly polar, at codon 67 of the AHDC1 protein (p.Arg67Trp). This variant is present in population databases (no rsID available, gnomAD 0.01%). This variant has not been reported in the literature in individuals affected with AHDC1-related conditions. An algorithm developed to predict the effect of missense changes on protein structure and function (PolyPhen-2) suggests that this variant is likely to be disruptive. In summary, the available evidence is currently insufficient to determine the role of this variant in disease. Therefore, it has been classified as a Variant of Uncertain Significance.

NM_001371928.1(AHDC1):c.199C>T (p.Arg67Trp)

Gene: AHDC1 (AT-hook DNA binding motif containing 1; minus strand). Cytogenetic location: 1p36.11.
Variant type: single nucleotide variant.
Coding change: c.199C>T on transcript NM_001371928.1 (MANE Select); coding-DNA position 199, C replaced by T.
Protein change: p.Arg67Trp; replaces arginine 67 with tryptophan.
Molecular consequence: missense variant.
Genome position (GRCh38, 1-based): chr1:27,551,917, G>A on the plus strand (C>T on the coding strand, the complement: AHDC1 is on the minus strand). VCF-style: chr1-27551917-G-A. GRCh37 (hg19) VCF-style: chr1-27878428-G-A.
Other names: c.199C>T (NM_001029882.2); c.199C>T, p.Arg67Trp (NM_001029882.3); short protein forms R67W.
Identifiers: ClinVar variation 3717042 (VCV003717042.3).